The following is an entry in ClinVar:

ClinVar aggregate classification (germline): Pathogenic (1 of 4 stars; one submission).

Conditions:
Marfan syndrome (MFS). Also called: FBN1-Related Marfan Syndrome; Marfan syndrome type 1; Marfan's syndrome; Marfan syndrome, classic; MARFAN SYNDROME, TYPE I. Identifiers: Orphanet 284963, Orphanet 558, MedGen C0024796, MONDO:0007947, OMIM 154700.

Submission:

Petrovsky National Research Centre of Surgery, The Federal Agency for Scientific Organizations
Classification: Pathogenic for Marfan syndrome. Last evaluated: 2016-10-10. Review status: criteria provided, single submitter. Criteria: ACMG Guidelines, 2015. Collection method: clinical testing. Allele origin: unknown. Inheritance: Autosomal dominant inheritance. Affected: yes. Observed: 1 heterozygote.
Comment: The c.40_49del (p.Thr14fs) variant is absent from large population studies. The deletion resulted in protein truncation and frameshift. Loss-of-function variants in FBN1 are known to be pathogenic (PMID: 17657824, 19293843).

NC_000015.10:g.48644724_48644733del

Genes: FBN1 (fibrillin 1; minus strand), LOC130057019 (ATAC-STARR-seq lymphoblastoid silent region 6417; plus strand). Cytogenetic location: 15q21.1.
Variant type: Deletion.
Genome position: GRCh38 VCF-style: chr15-48644720-AAAAGCACGGT-A. GRCh37 (hg19) VCF-style: chr15-48936917-AAAAGCACGGT-A.
Other names: c.40_49del, p.Phe13_Thr14insTer (LRG_778t1).
Identifiers: ClinVar variation 638668 (VCV000638668.3), dbSNP rs1597652471, ClinGen allele CA915946004.